The following is an entry in ClinVar:

ClinVar aggregate classification (germline): Pathogenic (1 of 4 stars; one submission).

Submission:

Labcorp Genetics (formerly Invitae), Labcorp
Classification: Pathogenic. Last evaluated: 2020-03-06. Review status: criteria provided, single submitter. Criteria: Invitae Variant Classification Sherloc (09022015). Collection method: clinical testing. Allele origin: germline.
Comment: This sequence change creates a premature translational stop signal (p.Cys59*) in the PHEX gene. It is expected to result in an absent or disrupted protein product. For these reasons, this variant has been classified as Pathogenic. Loss-of-function variants in PHEX are known to be pathogenic (PMID: 9097956, 9106524, 19219621). This nonsense change has been observed in individual(s) with hypophosphatemia (Invitae, 17406123). It has also been observed to segregate with disease in related individuals. This variant is not present in population databases (ExAC no frequency).

Literature cited by the submitters: PubMed 9097956; PubMed 9106524; PubMed 19219621.

NM_000444.6(PHEX):c.177C>A (p.Cys59Ter)

Gene: PHEX (phosphate regulating endopeptidase X-linked; plus strand). Cytogenetic location: Xp22.11.
Variant type: single nucleotide variant.
Coding change: c.177C>A on transcript NM_000444.6 (MANE Select); coding-DNA position 177, C replaced by A.
Protein change: p.Cys59Ter; replaces cysteine 59 with a stop codon.
Molecular consequence: nonsense.
Genome position (GRCh38, 1-based): chrX:22,038,527, C>A. VCF-style: chrX-22038527-C-A. GRCh37 (hg19) VCF-style: chrX-22056645-C-A.
Other names: c.177C>A, p.Cys59Ter (NM_001282754.2); short protein forms C59*.
Identifiers: ClinVar variation 1074167 (VCV001074167.9), dbSNP rs2146979567, ClinGen allele CA412565981.